The following is an entry in ClinVar:

NM_005327.7(HADH):c.425C>A (p.Thr142Lys)

Gene: HADH (hydroxyacyl-CoA dehydrogenase; plus strand). Cytogenetic location: 4q25.
Variant type: single nucleotide variant.
Coding change: c.425C>A on transcript NM_005327.7 (MANE Select); coding-DNA position 425, C replaced by A.
Protein change: p.Thr142Lys; replaces threonine 142 with lysine.
Molecular consequence: missense variant.
Genome position (GRCh38, 1-based): chr4:108,019,545, C>A. VCF-style: chr4-108019545-C-A. GRCh37 (hg19) VCF-style: chr4-108940701-C-A.
Other names: c.425C>A, p.Thr142Lys (NM_001184705.4); c.437C>A, p.Thr146Lys (NM_001331027.2); short protein forms T142K, T146K.
Identifiers: ClinVar variation 4797291 (VCV004797291.1).
Genomic context (GRCh38, chr4:108,019,545, plus strand): 5'-CTGTTTTGAAAGAAGAGATTCACTCTGATACTCCCACTATATTTTCTCTTCACAGACATA[C>A]AATCTTTGCCAGCAACACTTCCTCCTTGCAGATTACAAGCATAGCTAATGCCACCACCAG-3'
Protein context (NP_005318.6, residues 132-152): KRLDKFAAEH[Thr142Lys]IFASNTSSLQ

ClinVar aggregate classification (germline): Uncertain significance (1 of 4 stars; one submission).

Conditions:
Deficiency of 3-hydroxyacyl-CoA dehydrogenase. Also called: HADH DEFICIENCY; 3-hydroxyacyl-CoA dehydrogenase deficiency. Identifiers: Orphanet 309127, Orphanet 71212, MedGen C1291230, MONDO:0017715, OMIM 231530.

gnomAD v4.1: 2 of 1,613,650 alleles (0.00012%); highest among the groups gnomAD compares: Non-Finnish European, 0.000085%; no homozygotes.

Submission:

Labcorp Genetics (formerly Invitae), Labcorp
Classification: Uncertain significance for Deficiency of 3-hydroxyacyl-CoA dehydrogenase. Last evaluated: 2025-04-18. Review status: criteria provided, single submitter. Criteria: Invitae Variant Classification Sherloc (09022015). Collection method: clinical testing. Allele origin: germline.
Comment: This sequence change replaces threonine, which is neutral and polar, with lysine, which is basic and polar, at codon 142 of the HADH protein (p.Thr142Lys). This variant is not present in population databases (gnomAD no frequency). This variant has not been reported in the literature in individuals affected with HADH-related conditions. Invitae Evidence Modeling of protein sequence and biophysical properties (such as structural, functional, and spatial information, amino acid conservation, physicochemical variation, residue mobility, and thermodynamic stability) indicates that this missense variant is expected to disrupt HADH protein function with a positive predictive value of 80%. In summary, the available evidence is currently insufficient to determine the role of this variant in disease. Therefore, it has been classified as a Variant of Uncertain Significance.